The following is an entry in ClinVar:

ClinVar aggregate classification (germline): Conflicting classifications of pathogenicity. Review status: criteria provided, conflicting classifications (1 of 4 stars). 15 submissions from 15 submitters: Uncertain significance (13); Likely benign (2). Last evaluated 2026-08-06.

Conditions:
ATM-related cancer predisposition. Also called: ATM-related cancer susceptibility. Identifiers: MedGen CN377759, MONDO:0700270.
ATM-related disorder. Also called: ATM-related disorders; ATM-related condition.
Hereditary cancer-predisposing syndrome. Also called: Neoplastic Syndromes, Hereditary; Hereditary Cancer Syndrome; Tumor predisposition; Hereditary neoplastic syndrome. Identifiers: Orphanet 140162, MedGen C0027672, MeSH D009386, MONDO:0015356.
Ataxia-telangiectasia syndrome (AT). Also called: Ataxia-telangiectasia, complementation group D; AT, COMPLEMENTATION GROUP C; Ataxia-telangiectasia; ATAXIA-TELANGIECTASIA, COMPLEMENTATION GROUP A; ATAXIA-TELANGIECTASIA, FRESNO VARIANT; Ataxia-telangiectasia, complementation group E. Identifiers: Orphanet 100, MedGen C0004135, MONDO:0008840, OMIM 208900.
Familial cancer of breast. Also called: BREAST CANCER, FAMILIAL; hereditary breast carcinoma; Hereditary breast cancer. Identifiers: Orphanet 227535, MedGen C0346153, MONDO:0016419, OMIM 114480. Disease mechanism: loss of function.

Allele frequency attached by ClinVar (database versions not stated): ExAC 0.00001; TOPMed 0.00005; 1000 Genomes Project 0.00020; 1000 Genomes Project 30x 0.00016.
gnomAD v4.1: 58 of 1,613,700 alleles (0.0036%); highest among the groups gnomAD compares: Admixed American, 0.015%; no homozygotes.

Submissions (15):

OLLIN Analises Genomicas, OLLIN
Classification: Uncertain significance for Familial cancer of breast. Last evaluated: 2026-08-06. Review status: criteria provided, single submitter. Criteria: ACMG Guidelines 2015 PMID 25741868. Collection method: clinical testing. Allele origin: germline. Inheritance: Autosomal recessive inheritance.
Comment: This synonymous variant, located in exon 47 (of 63), has been reported in ClinVar (accession VCV000407622.12) and in gnomAD with an allele frequency of 0.0036%. However, to our knowledge, it has not been reported in the scientific literature. Although this variant does not alter the encoded amino acid, there is evidence that it affects splicing, potentially resulting in aberrant transcript processing, exon skipping, mRNA degradation via nonsense-mediated decay (NMD), or production of a truncated protein. There is at least one pathogenic variant reported at this same splicing site. According to the currently available evidence, this variant has been classified as uncertain significance (PVS1_S, PS1_M).

CeGaT Center for Human Genetics Tuebingen
Classification: Uncertain significance. Last evaluated: 2026-03-01. Review status: criteria provided, single submitter. Criteria: CeGaT Center For Human Genetics Tuebingen Variant Classification Criteria Version 2. Collection method: clinical testing. Allele origin: germline. Affected: yes. Observed: 1 variant allele.
Comment: ATM: PP3

PreventionGenetics, part of Exact Sciences
Classification: Uncertain significance for ATM-related condition. Last evaluated: 2026-02-13. Review status: criteria provided, single submitter. Criteria: ACMG Guidelines, 2015. Collection method: clinical testing. Allele origin: germline.
Comment: The ATM c.6975G>A is a noncoding alteration. This variant occurs at the last nucleotide of an exon and is predicted to interfere with splicing based on splicing prediction programs (SpliceAI, Jaganathan K, et al. 2019. PubMed ID: 30661751). This variant has been reported in individuals with breast cancer and/or ovarian cancer (Gomes et al. 2021. PubMed ID: 33128190; Abdel-Razeq et al. 2022. PubMed ID: 35402282) and has also been documented in controls (Supplementary Table 2 in Guindalini et al. 2022. PubMed ID: 35264596). This variant is reported in 0.0029% of alleles in individuals of Latino descent in gnomAD, and has conflicting interpretations regarding its pathogenicity in ClinVar, ranging from uncertain to likely benign (Variation ID: 141676). At this time, the clinical significance of this variant is uncertain due to the absence of conclusive functional and genetic evidence.

Labcorp Genetics (formerly Invitae), Labcorp
Classification: Likely benign for Ataxia-telangiectasia syndrome. Last evaluated: 2026-01-14. Review status: criteria provided, single submitter. Criteria: Invitae Variant Classification Sherloc (09022015). Collection method: clinical testing. Allele origin: germline.

Quest Diagnostics Nichols Institute San Juan Capistrano
Classification: Uncertain significance. Last evaluated: 2025-07-04. Review status: criteria provided, single submitter. Criteria: Quest Diagnostics criteria. Collection method: clinical testing. Allele origin: unknown.

Center for Genomic Medicine, Rigshospitalet, Copenhagen University Hospital
Classification: Uncertain significance. Last evaluated: 2025-03-04. Review status: criteria provided, single submitter. Criteria: ACMG Guidelines, 2015. Collection method: clinical testing. Allele origin: germline.

GeneDx
Classification: Uncertain significance. Last evaluated: 2025-01-21. Review status: criteria provided, single submitter. Criteria: GeneDx Variant Classification Process June 2021. Collection method: clinical testing. Allele origin: germline. Affected: yes.
Comment: Alters the last nucleotide of the exon and is predicted to destroy the splice donor site and result in aberrant splicing, although in the absence of functional evidence the actual effect of this sequence change is unknown; Observed in individuals with personal and/or family history of breast or ovarian cancer, but also in unaffected controls (PMID: 35402282, 28779002, 33128190, 35264596, 35534704, 36029002); Not observed at significant frequency in large population cohorts (gnomAD); Located in the critical FAT domain (PMID: 23532176); This variant is associated with the following publications: (PMID: 27149842, 28779002, 33128190, 35264596, 35402282, 36243179, 36029002, 35534704, 23532176)

Women's Health and Genetics/Laboratory Corporation of America, LabCorp
Classification: Uncertain significance. Last evaluated: 2024-10-07. Review status: criteria provided, single submitter. Criteria: LabCorp Variant Classification Summary - May 2015. Collection method: clinical testing. Allele origin: germline.
Comment: Variant summary: ATM c.6975G>A (p.Ala2325Ala) alters a conserved nucleotide located close to a canonical splice site and therefore could affect mRNA splicing, leading to a significantly altered protein sequence. Several computational tools predict a significant impact on normal splicing: One predict the variant abolishes a 5' splicing donor site. Three predict the variant no significant impact on splicing. However, these predictions have yet to be confirmed by functional studies. The variant allele was found at a frequency of 0.00024 in 326476 control chromosomes. This frequency is not significantly higher than estimated for a pathogenic variant in ATM causing Breast Cancer (0.00024 vs 0.001), allowing no conclusion about variant significance. c.6975G>A has been reported in the literature in individuals affected with breast cancer without strong evidence for causality (e.g. Gomes_2020, Abdel-Razeq_2022, Guindalini_2022, Petrackova_2022). These reports do not provide unequivocal conclusions about association of the variant with Breast Cancer. To our knowledge, no experimental evidence demonstrating an impact on protein function has been reported. The following publications have been ascertained in the context of this evaluation (PMID: 35402282, 33128190, 35264596, 36243179, 36029002). ClinVar contains an entry for this variant (Variation ID: 141676). Based on the evidence outlined above, the variant was classified as uncertain significance.

Color Diagnostics, LLC DBA Color Health
Classification: Uncertain significance for Hereditary cancer-predisposing syndrome. Last evaluated: 2024-03-19. Review status: criteria provided, single submitter. Criteria: ACMG Guidelines, 2015. Collection method: clinical testing. Allele origin: germline.
Comment: This synonymous variant alters the conserved G at the last nucleotide position of exon 47 of the ATM gene. Splice site prediction tools suggest this variant may have a significant impact on splicing. To our knowledge, functional studies have not been performed for this variant. This variant has been reported in individuals affected with breast cancer and in healthy controls (PMID: 28779002, 33128190, 35264596, 35402282). This variant has been identified in 3/251310 chromosomes in the general population by the Genome Aggregation Database (gnomAD). Available evidence is insufficient to determine the role of this variant in disease conclusively. Therefore, this variant is classified as a Variant of Uncertain Significance.

Mendelics
Classification: Uncertain significance for Ataxia-telangiectasia syndrome. Last evaluated: 2023-12-29. Review status: criteria provided, single submitter. Criteria: ACMG Guidelines, 2015. Collection method: clinical testing. Allele origin: unknown. Affected: no. Observed: 1 heterozygote.
Comment: This ATM synonymous variant is located at a splice site, with a SpliceAI score of 0.85. In an internal analysis of 6362 Breast Cancer patients and 9128 controls, we found 15 carriers in cases and 10 in controls, yielding an odds-ratio of 2.2, p-value 0.054.

Department of Pathology and Laboratory Medicine, Sinai Health System
Classification: Uncertain significance for ATM-related cancer predisposition. Last evaluated: 2023-09-29. Review status: criteria provided, single submitter. Criteria: ACMG Guidelines, 2015. Collection method: clinical testing. Allele origin: germline. Affected: no.

Laboratorio de Genetica e Diagnostico Molecular, Hospital Israelita Albert Einstein
Classification: Uncertain significance for Familial cancer of breast. Last evaluated: 2021-07-13. Review status: criteria provided, single submitter. Criteria: ACMG Guidelines, 2015. Collection method: clinical testing. Allele origin: germline. Affected: yes.
Comment: ACMG classification criteria: PP3 supporting

Blueprint Genetics
Classification: Uncertain significance. Last evaluated: 2021-03-31. Review status: criteria provided, single submitter. Criteria: ACMG Guidelines, 2015. Collection method: clinical testing. Allele origin: germline.

Athena Diagnostics
Classification: Uncertain significance. Last evaluated: 2019-12-27. Review status: criteria provided, single submitter. Criteria: Athena Diagnostics Criteria. Collection method: clinical testing. Allele origin: unknown.

Ambry Genetics
Classification: Likely benign for Hereditary cancer-predisposing syndrome. Last evaluated: 2019-10-11. Review status: criteria provided, single submitter. Criteria: Ambry Variant Classification Scheme 2023. Collection method: clinical testing. Allele origin: germline.

Literature cited by the submitters: PubMed 35534704 (cited by Center for Genomic Medicine, Rigshospitalet, Copenhagen University Hospital); PubMed 35264596 (cited by 4 submitters); PubMed 28779002 (cited by 3 submitters); PubMed 33128190 (cited by 3 submitters); PubMed 35402282 (cited by 3 submitters); PubMed 36243179 (cited by Women's Health and Genetics/Laboratory Corporation of America, LabCorp); PubMed 36029002 (cited by Women's Health and Genetics/Laboratory Corporation of America, LabCorp).

NM_000051.4(ATM):c.6975G>A (p.Ala2325=)

Genes: ATM (ATM serine/threonine kinase; plus strand), C11orf65 (chromosome 11 open reading frame 65; minus strand). Cytogenetic location: 11q22.3.
Variant type: single nucleotide variant.
Coding change: c.6975G>A on transcript NM_000051.4 (MANE Select); coding-DNA position 6975, G replaced by A.
Protein change: p.Ala2325=; no amino-acid change (alanine 2325 retained).
Molecular consequence: synonymous variant. On other transcripts: intron variant (2).
Genome position (GRCh38, 1-based): chr11:108,326,225, G>A. VCF-style: chr11-108326225-G-A. GRCh37 (hg19) VCF-style: chr11-108196952-G-A.
Other names: c.6975G>A, p.Ala2325= (NM_001351834.2); c.641-17154C>T (NM_001330368.2); c.*38+8995C>T (NM_001351110.2).
Identifiers: ClinVar variation 141676 (VCV000141676.48), dbSNP rs556778314, ClinGen allele CA166105.
Genomic context (GRCh38, chr11:108,326,225, plus strand): 5'-GAGTCTTGCCCTGAGTATTCTCAAGCAAATGATCAAGAAGTTGGATGCCAGCTGTGCAGC[G>A]GTTTGTTTTTTTTATTGGCTGGATTAGTGTTTTACTGTTATTTAAAAAAACACAAATGTA-3'
Protein context (NP_000042.3, residues 2315-2335): MIKKLDASCA[Ala2325=]NNPSLKLTYT